The following is an entry in ClinVar:

NM_001378615.1(CC2D2A):c.4835A>G (p.Tyr1612Cys)

Genes: CC2D2A (coiled-coil and C2 domain containing 2A; plus strand), FBXL5 (F-box and leucine rich repeat protein 5; minus strand). Cytogenetic location: 4p15.32.
Variant type: single nucleotide variant.
Coding change: c.4835A>G on transcript NM_001378615.1 (MANE Select); coding-DNA position 4835, A replaced by G.
Protein change: p.Tyr1612Cys; replaces tyrosine 1612 with cysteine.
Molecular consequence: missense variant.
Genome position (GRCh38, 1-based): chr4:15,601,397, A>G. VCF-style: chr4-15601397-A-G. GRCh37 (hg19) VCF-style: chr4-15603020-A-G.
Other names: c.4835A>G, p.Tyr1612Cys (NM_001080522.2); c.4688A>G, p.Tyr1563Cys (NM_001378617.1); short protein forms Y1563C, Y1612C.
Identifiers: ClinVar variation 1047663 (VCV001047663.7), dbSNP rs368070611, ClinGen allele CA2864487.

ClinVar aggregate classification (germline): Uncertain significance. Review status: criteria provided, multiple submitters, no conflicts (2 of 4 stars). 2 submissions from 2 submitters: Uncertain significance (2). Last evaluated 2021-11-26.

Conditions:
Joubert syndrome. Also called: JOUBERT-BOLTSHAUSER SYNDROME; Familial aplasia of the vermis. Identifiers: Orphanet 475, MedGen C5979921, MONDO:0018772.
Meckel-Gruber syndrome. Also called: Dysencephalia splachnocystica; DYSENCEPHALIA SPLANCHNOCYSTICA; GRUBER SYNDROME. Identifiers: Orphanet 564, MedGen C0265215, MONDO:0018921.

Allele frequency attached by ClinVar (database versions not stated): gnomAD exomes below 0.00001; ExAC 0.00001; TOPMed 0.00001; ESP Exome Variant Server 0.00008.
gnomAD v4.1: 1 of 1,553,790 alleles (0.000064%); highest among the groups gnomAD compares: African/African-American, 0.0014%; no homozygotes.

Submissions (2):

Blueprint Genetics
Classification: Uncertain significance. Last evaluated: 2021-11-26. Review status: criteria provided, single submitter. Criteria: ACMG Guidelines, 2015. Collection method: clinical testing. Allele origin: germline.

Labcorp Genetics (formerly Invitae), Labcorp
Classification: Uncertain significance for Joubert syndrome; Meckel-Gruber syndrome. Last evaluated: 2021-09-07. Review status: criteria provided, single submitter. Criteria: Invitae Variant Classification Sherloc (09022015). Collection method: clinical testing. Allele origin: germline.
Comment: This sequence change replaces tyrosine with cysteine at codon 1612 of the CC2D2A protein (p.Tyr1612Cys). The tyrosine residue is moderately conserved and there is a large physicochemical difference between tyrosine and cysteine. This variant is present in population databases (rs368070611, ExAC 0.01%). This variant has not been reported in the literature in individuals affected with CC2D2A-related conditions. Algorithms developed to predict the effect of missense changes on protein structure and function are either unavailable or do not agree on the potential impact of this missense change (SIFT: "Deleterious"; PolyPhen-2: "Probably Damaging"; Align-GVGD: "Class C0"). In summary, the available evidence is currently insufficient to determine the role of this variant in disease. Therefore, it has been classified as a Variant of Uncertain Significance.